The following is an entry in ClinVar:

NM_003235.5(TG):c.7707C>A (p.Ser2569=)

Gene: TG (thyroglobulin; plus strand). Cytogenetic location: 8q24.22.
Variant type: single nucleotide variant.
Coding change: c.7707C>A on transcript NM_003235.5 (MANE Select); coding-DNA position 7707, C replaced by A.
Protein change: p.Ser2569=; no amino-acid change (serine 2569 retained).
Molecular consequence: synonymous variant.
Genome position (GRCh38, 1-based): chr8:133,113,556, C>A. VCF-style: chr8-133113556-C-A. GRCh37 (hg19) VCF-style: chr8-134125800-C-A.
Other names: c.7707C>A (NM_003235.4).
Identifiers: ClinVar variation 2993504 (VCV002993504.5), dbSNP rs370233152, ClinGen allele CA4885747.

ClinVar aggregate classification (germline): Likely benign. Review status: criteria provided, single submitter (1 of 4 stars). 2 submissions from 2 submitters: Likely benign (1). 1 of the submissions does not count toward it. Last evaluated 2024-01-05.

Conditions:
TG-related disorder. Also called: TG-related condition; TG-related disorders.

Allele frequency attached by ClinVar (database versions not stated): gnomAD exomes below 0.00001; ExAC 0.00002; gnomAD 0.00003; TOPMed 0.00003; ESP Exome Variant Server 0.00015.
gnomAD v4.1: 6 of 1,614,054 alleles (0.00037%); highest among the groups gnomAD compares: African/African-American, 0.008%; no homozygotes.

Submissions (2):

Labcorp Genetics (formerly Invitae), Labcorp
Classification: Likely benign. Last evaluated: 2024-01-05. Review status: criteria provided, single submitter. Criteria: Invitae Variant Classification Sherloc (09022015). Collection method: clinical testing. Allele origin: germline.

PreventionGenetics, part of Exact Sciences
Classification: Likely benign for TG-related condition. Last evaluated: 2019-03-27. Review status: no assertion criteria provided. Collection method: clinical testing. Allele origin: germline. Not counted in ClinVar's aggregate classification.
Comment: This variant is classified as likely benign based on ACMG/AMP sequence variant interpretation guidelines (Richards et al. 2015 PMID: 25741868, with internal and published modifications).